The following is an entry in ClinVar:

NM_001385.3(DPYS):c.1170A>C (p.Pro390=)

Gene: DPYS (dihydropyrimidinase; minus strand). Cytogenetic location: 8q22.3.
Variant type: single nucleotide variant.
Coding change: c.1170A>C on transcript NM_001385.3 (MANE Select); coding-DNA position 1170, A replaced by C.
Protein change: p.Pro390=; no amino-acid change (proline 390 retained).
Molecular consequence: synonymous variant.
Genome position (GRCh38, 1-based): chr8:104,424,312, T>G on the plus strand (A>C on the coding strand, the complement: DPYS is on the minus strand). VCF-style: chr8-104424312-T-G. GRCh37 (hg19) VCF-style: chr8-105436540-T-G.
Identifiers: ClinVar variation 1996397 (VCV001996397.4), dbSNP rs767535896, ClinGen allele CA4838342.

ClinVar aggregate classification (germline): Uncertain significance (1 of 4 stars; one submission).

Allele frequency attached by ClinVar (database versions not stated): ExAC 0.00001; gnomAD 0.00001; TOPMed 0.00001.
gnomAD v4.1: 2 of 1,614,030 alleles (0.00012%); highest among the groups gnomAD compares: Admixed American, 0.0017%; no homozygotes.

Submission:

Labcorp Genetics (formerly Invitae), Labcorp
Classification: Uncertain significance. Last evaluated: 2023-07-10. Review status: criteria provided, single submitter. Criteria: Invitae Variant Classification Sherloc (09022015). Collection method: clinical testing. Allele origin: germline.
Comment: ClinVar contains an entry for this variant (Variation ID: 1996397). In summary, the available evidence is currently insufficient to determine the role of this variant in disease. Therefore, it has been classified as a Variant of Uncertain Significance. Algorithms developed to predict the effect of sequence changes on RNA splicing suggest that this variant may disrupt the consensus splice site. This variant has not been reported in the literature in individuals affected with DPYS-related conditions. This variant is present in population databases (rs767535896, gnomAD 0.0009%). This sequence change affects codon 390 of the DPYS mRNA. It is a 'silent' change, meaning that it does not change the encoded amino acid sequence of the DPYS protein.